The following is an entry in ClinVar:

ClinVar aggregate classification (germline): Uncertain significance. Review status: criteria provided, multiple submitters, no conflicts (2 of 4 stars). 12 submissions from 9 submitters: Uncertain significance (11). 1 of the submissions does not count toward it. Last evaluated 2026-02-25.

Conditions:
Cardiac arrhythmia. Also called: Arrhythmia; Cardiac rhythm disease. Identifiers: MedGen C0003811, MONDO:0007263, HP:0011675.
Cardiovascular phenotype. Identifiers: MedGen CN230736.
Familial long QT syndrome (RWS). Also called: Congenital long QT syndrome; Romano-Ward syndrome; VENTRICULAR FIBRILLATION WITH PROLONGED QT INTERVAL. Identifiers: Orphanet 768, MedGen C1141890, MONDO:0019171.
Atrial fibrillation, familial, 3 (ATFB3). Identifiers: MedGen C1837014, MONDO:0011857, OMIM 607554.
Long QT syndrome 1 (LQT1). Identifiers: Orphanet 101016, Orphanet 768, MedGen C4551647, MONDO:0100316, OMIM 192500, MONDO:0008646.
Beckwith-Wiedemann syndrome (BWS). Also called: Exomphalos macroglossia gigantism syndrome; EMG SYNDROME. Identifiers: Orphanet 116, MedGen C0004903, MONDO:0007534, OMIM 130650.
Jervell and Lange-Nielsen syndrome 1 (JLNS1). Also called: CARDIOAUDITORY SYNDROME OF JERVELL AND LANGE-NIELSEN; DEAFNESS, CONGENITAL, AND FUNCTIONAL HEART DISEASE; PROLONGED QT INTERVAL IN EKG AND SUDDEN DEATH; SURDO-CARDIAC SYNDROME. Identifiers: Orphanet 768, Orphanet 90647, MedGen C4551509, MONDO:0024540, OMIM 220400.
Short QT syndrome type 2. Identifiers: Orphanet 51083, MedGen C1865019, MONDO:0012313, OMIM 609621.
Long QT syndrome (LQTS). Identifiers: MedGen C0023976, MeSH D008133, MONDO:0002442. Disease mechanism: loss of function. Inheritance: Various modes of inheritance.

Allele frequency attached by ClinVar (database versions not stated): ExAC 0.00002; TOPMed 0.00006; gnomAD exomes 0.00002; gnomAD 0.00005.

Submissions (13):

Ambry Genetics
Classification: Uncertain significance for Cardiovascular phenotype. Last evaluated: 2026-02-25. Review status: criteria provided, single submitter. Criteria: Ambry Variant Classification Scheme 2023. Collection method: clinical testing. Allele origin: germline.
Comment: The c.868G>A (p.E290K) alteration is located in exon 6 (coding exon 6) of the KCNQ1 gene. This alteration results from a G to A substitution at nucleotide position 868, causing the glutamic acid (E) at amino acid position 290 to be replaced by a lysine (K). Based on data from gnomAD, the A allele has an overall frequency of 0.002% (5/281678) total alleles studied. The highest observed frequency was 0.006% (2/35374) of Latino alleles. Based on insufficient or conflicting evidence, the clinical significance of this alteration remains unclear.

Labcorp Genetics (formerly Invitae), Labcorp
Classification: Uncertain significance for Long QT syndrome. Last evaluated: 2025-11-05. Review status: criteria provided, single submitter. Criteria: Invitae Variant Classification Sherloc (09022015). Collection method: clinical testing. Allele origin: germline.
Comment: This sequence change replaces glutamic acid, which is acidic and polar, with lysine, which is basic and polar, at codon 290 of the KCNQ1 protein (p.Glu290Lys). This variant is present in population databases (rs199473464, gnomAD 0.006%). This missense change has been observed in individual(s) with long QT syndrome (PMID: 15840476, 31737537). ClinVar contains an entry for this variant (Variation ID: 53120). Invitae Evidence Modeling of protein sequence and biophysical properties (such as structural, functional, and spatial information, amino acid conservation, physicochemical variation, residue mobility, and thermodynamic stability) indicates that this missense variant is not expected to disrupt KCNQ1 protein function with a negative predictive value of 95%. Experimental studies have shown that this missense change affects KCNQ1 function (PMID: 25712016, 34930020). In summary, the available evidence is currently insufficient to determine the role of this variant in disease. Therefore, it has been classified as a Variant of Uncertain Significance.

All of Us Research Program, National Institutes of Health
Classification: Uncertain significance for Long QT syndrome. Last evaluated: 2024-09-23. Review status: criteria provided, single submitter. Criteria: ACMG Guidelines, 2015. Collection method: clinical testing. Allele origin: germline. Inheritance: Autosomal dominant inheritance. Observed: 13 variant alleles, 13 heterozygotes.
Comment: This missense variant replaces glutamic acid with lysine at codon 290 of the KCNQ1 protein. Computational prediction is inconclusive regarding the impact of this variant on protein structure and function (internally defined REVEL score threshold 0.5 < inconclusive < 0.7, PMID: 27666373). To our knowledge, functional studies have not been reported for this variant. This variant has been reported in two individuals affected with syncope (PMID: 34930020). This variant has been identified in 5/281678 chromosomes in the general population by the Genome Aggregation Database (gnomAD). The available evidence is insufficient to determine the role of this variant in disease conclusively. Therefore, this variant is classified as a Variant of Uncertain Significance.

This study involves interpretation of variants in research participants for the purpose of population health screening. Participant phenotype was not available at the time of variant classification. Additional details can be found in publication PMID: 35346344, PMCID: PMC8962531

GeneDx
Classification: Uncertain significance. Last evaluated: 2024-07-30. Review status: criteria provided, single submitter. Criteria: GeneDx Variant Classification Process June 2021. Collection method: clinical testing. Allele origin: germline. Affected: yes.
Comment: Has been reported in association with LQTS (PMID: 15840476, 31737537); Not observed at significant frequency in large population cohorts (gnomAD); In silico analysis indicates that this missense variant does not alter protein structure/function; This variant is associated with the following publications: (PMID: 25712016, 15840476, 34930020, 31737537, 32048431)

Color Diagnostics, LLC DBA Color Health
Classification: Uncertain significance for Cardiac arrhythmia. Last evaluated: 2024-03-19. Review status: criteria provided, single submitter. Criteria: ACMG Guidelines, 2015. Collection method: clinical testing. Allele origin: germline.
Comment: This missense variant replaces glutamic acid with lysine at codon 290 of the KCNQ1 protein. Computational prediction is inconclusive regarding the impact of this variant on protein structure and function. To our knowledge, functional studies have not been reported for this variant. This variant has been reported in two individuals affected with syncope (PMID: 34930020). This variant has been identified in 5/281678 chromosomes in the general population by the Genome Aggregation Database (gnomAD). The available evidence is insufficient to determine the role of this variant in disease conclusively. Therefore, this variant is classified as a Variant of Uncertain Significance.

Fulgent Genetics
Classification: Uncertain significance for Beckwith-Wiedemann syndrome; Long QT syndrome 1; Jervell and Lange-Nielsen syndrome 1; Atrial fibrillation, familial, 3; Short QT syndrome type 2. Last evaluated: 2021-11-02. Review status: criteria provided, single submitter. Criteria: ACMG Guidelines, 2015. Collection method: clinical testing. Allele origin: unknown.

Illumina Laboratory Services, Illumina
Classification: Uncertain significance for Long QT syndrome 1. Last evaluated: 2017-04-28. Review status: criteria provided, single submitter. Criteria: ICSL Variant Classification Criteria 13 December 2019. Collection method: clinical testing. Allele origin: germline.
Comment: This variant was observed as part of a predisposition screen in an ostensibly healthy population. A literature search was performed for the gene, cDNA change, and amino acid change (where applicable). Publications were found based on this search. However, the evidence from the literature, in combination with allele frequency data from public databases where available, was not sufficient to rule this variant in or out of causing disease. Therefore, this variant is classified as a variant of unknown significance.

Illumina Laboratory Services, Illumina
Classification: Uncertain significance for Short QT syndrome type 2. Last evaluated: 2017-04-28. Review status: criteria provided, single submitter. Criteria: ICSL Variant Classification Criteria 13 December 2019. Collection method: clinical testing. Allele origin: germline.

Illumina Laboratory Services, Illumina
Classification: Uncertain significance for Jervell and Lange-Nielsen syndrome 1. Last evaluated: 2017-04-28. Review status: criteria provided, single submitter. Criteria: ICSL Variant Classification Criteria 13 December 2019. Collection method: clinical testing. Allele origin: germline.

Illumina Laboratory Services, Illumina
Classification: Uncertain significance for Atrial fibrillation, familial, 3. Last evaluated: 2017-04-28. Review status: criteria provided, single submitter. Criteria: ICSL Variant Classification Criteria 13 December 2019. Collection method: clinical testing. Allele origin: germline.

Laboratory for Molecular Medicine, Mass General Brigham Personalized Medicine
Classification: Uncertain significance. Last evaluated: 2016-06-23. Review status: criteria provided, single submitter. Criteria: LMM Criteria. Collection method: clinical testing. Allele origin: germline.
Comment: Variant identified in a genome or exome case(s) and assessed due to predicted null impact of the variant or pathogenic assertions in the literature or databases. Disclaimer: This variant has not undergone full assessment. The following are preliminary notes: Reported in 1 proband, ClinVar: 1 Path (Royal Brompton)

Cardiovascular Biomedical Research Unit, Royal Brompton & Harefield NHS Foundation Trust
No classification provided. Condition: Familial long QT syndrome. Review status: no classification provided. Collection method: literature only. Allele origin: germline. Not counted in ClinVar's aggregate classification.
Comment: This variant has been reported as associated with Long QT syndrome in the following publications (PMID:15840476). This is a literature report, and does not necessarily reflect the clinical interpretation of the Imperial College / Royal Brompton Cardiovascular Genetics laboratory.

Dr. Peter K. Rogan Lab, Western University
No classification provided (evidence only). Condition: Uterine carcinosarcoma. Review status: no classification provided. Collection method: in vitro. Allele origin: not applicable. Functional consequence: retained intron. Not counted in ClinVar's aggregate classification.

Literature cited by the submitters: PubMed 15840476 (cited by 3 submitters); PubMed 31737537 (cited by Labcorp Genetics (formerly Invitae), Labcorp); PubMed 25712016 (cited by Labcorp Genetics (formerly Invitae), Labcorp); PubMed 34930020 (cited by 3 submitters); PubMed 22581653 (cited by Cardiovascular Biomedical Research Unit, Royal Brompton & Harefield NHS Foundation Trust).

NM_000218.3(KCNQ1):c.868G>A (p.Glu290Lys)

Gene: KCNQ1 (potassium voltage-gated channel subfamily Q member 1; plus strand). Cytogenetic location: 11p15.5.
Variant type: single nucleotide variant.
Coding change: c.868G>A on transcript NM_000218.3 (MANE Select); coding-DNA position 868, G replaced by A.
Protein change: p.Glu290Lys; replaces glutamic acid 290 with lysine.
Molecular consequence: missense variant.
Genome position (GRCh38, 1-based): chr11:2,572,933, G>A. VCF-style: chr11-2572933-G-A. GRCh37 (hg19) VCF-style: chr11-2594163-G-A.
Other names: c.868G>A (LRG_287t1); c.868G>A, p.Glu290Lys (NM_001406836.1); c.598G>A, p.Glu200Lys (NM_001406837.1); c.487G>A, p.Glu163Lys (NM_181798.2); short protein forms E290K, E163K, E200K.
Identifiers: ClinVar variation 53120 (VCV000053120.24), dbSNP rs199473464, ClinGen allele CA008514.